The following is an entry in ClinVar:

NM_001353694.2(TIAM1):c.2866G>A (p.Ala956Thr)

Gene: TIAM1 (TIAM Rac1 associated GEF 1; minus strand). Cytogenetic location: 21q22.11.
Variant type: single nucleotide variant.
Coding change: c.2866G>A on transcript NM_001353694.2 (MANE Select); coding-DNA position 2866, G replaced by A.
Protein change: p.Ala956Thr; replaces alanine 956 with threonine.
Molecular consequence: missense variant.
Genome position (GRCh38, 1-based): chr21:31,182,442, C>T on the plus strand (G>A on the coding strand, the complement: TIAM1 is on the minus strand). VCF-style: chr21-31182442-C-T. GRCh37 (hg19) VCF-style: chr21-32554759-C-T.
Other names: c.2866G>A, p.Ala956Thr (NM_001353686.2, NM_001353688.1, NM_001353689.1 and 5 more transcripts); c.2791G>A, p.Ala931Thr (NM_001353687.2); short protein forms A931T, A956T.
Identifiers: ClinVar variation 3774195 (VCV003774195.1).

ClinVar aggregate classification (germline): Uncertain significance (1 of 4 stars; one submission).

gnomAD v4.1: 6 of 1,587,596 alleles (0.00038%); highest among the groups gnomAD compares: African/African-American, 0.0013%; no homozygotes.

Submission:

GeneDx
Classification: Uncertain significance. Last evaluated: 2024-09-23. Review status: criteria provided, single submitter. Criteria: GeneDx Variant Classification Process June 2021. Collection method: clinical testing. Allele origin: germline. Affected: yes.
Comment: Not observed at significant frequency in large population cohorts (gnomAD); In silico analysis indicates that this missense variant does not alter protein structure/function; Has not been previously published as pathogenic or benign to our knowledge